The following is an entry in ClinVar:

ClinVar aggregate classification (germline): Uncertain significance. Review status: criteria provided, multiple submitters, no conflicts (2 of 4 stars). 4 submissions from 4 submitters: Uncertain significance (4). Last evaluated 2024-12-07.

Conditions:
Hereditary nonpolyposis colorectal neoplasms. Identifiers: MedGen C0009405, MeSH D003123.
Hereditary cancer-predisposing syndrome. Also called: Hereditary neoplastic syndrome; Tumor predisposition; Neoplastic Syndromes, Hereditary; Hereditary Cancer Syndrome. Identifiers: Orphanet 140162, MedGen C0027672, MeSH D009386, MONDO:0015356.

Submissions (4):

Ambry Genetics
Classification: Uncertain significance for Hereditary cancer-predisposing syndrome. Last evaluated: 2024-12-07. Review status: criteria provided, single submitter. Criteria: Ambry Variant Classification Scheme 2023. Collection method: clinical testing. Allele origin: germline.
Comment: The p.P656L variant (also known as c.1967C>T), located in coding exon 4 of the MSH6 gene, results from a C to T substitution at nucleotide position 1967. The proline at codon 656 is replaced by leucine, an amino acid with similar properties. This amino acid position is highly conserved in available vertebrate species. In addition, this alteration is predicted to be deleterious by in silico analysis. Based on the available evidence, the clinical significance of this variant remains unclear.

Labcorp Genetics (formerly Invitae), Labcorp
Classification: Uncertain significance for Hereditary nonpolyposis colorectal neoplasms. Last evaluated: 2024-05-20. Review status: criteria provided, single submitter. Criteria: Invitae Variant Classification Sherloc (09022015). Collection method: clinical testing. Allele origin: germline.
Comment: This sequence change replaces proline, which is neutral and non-polar, with leucine, which is neutral and non-polar, at codon 656 of the MSH6 protein (p.Pro656Leu). This variant is not present in population databases (gnomAD no frequency). This missense change has been observed in individual(s) with colorectal cancer (PMID: 20924129). ClinVar contains an entry for this variant (Variation ID: 954699). An algorithm developed specifically for the MSH6 gene suggests that this missense change is likely to be deleterious (PMID: 23621914). In summary, the available evidence is currently insufficient to determine the role of this variant in disease. Therefore, it has been classified as a Variant of Uncertain Significance.

Color Diagnostics, LLC DBA Color Health
Classification: Uncertain significance for Hereditary cancer-predisposing syndrome. Last evaluated: 2023-05-05. Review status: criteria provided, single submitter. Criteria: ACMG Guidelines, 2015. Collection method: clinical testing. Allele origin: germline.
Comment: This missense variant replaces proline with leucine at codon 656 of the MSH6 protein. Computational prediction suggests that this variant may have deleterious impact on protein structure and function (internally defined REVEL score threshold >= 0.7, PMID: 27666373). To our knowledge, functional studies have not been reported for this variant. This variant has been reported in an individual affected with early onset colorectal cancer (PMID: 20924129). This variant has not been identified in the general population by the Genome Aggregation Database (gnomAD). The available evidence is insufficient to determine the role of this variant in disease conclusively. Therefore, this variant is classified as a Variant of Uncertain Significance.

Women's Health and Genetics/Laboratory Corporation of America, LabCorp
Classification: Uncertain significance. Last evaluated: 2021-08-02. Review status: criteria provided, single submitter. Criteria: LabCorp Variant Classification Summary - May 2015. Collection method: clinical testing. Allele origin: germline.
Comment: Variant summary: MSH6 c.1967C>T (p.Pro656Leu) results in a non-conservative amino acid change located in the DNA mismatch repair protein MutS, connector domain (IPR007860) of the encoded protein sequence. Five of five in-silico tools predict a damaging effect of the variant on protein function. The variant was absent in 251144 control chromosomes. The available data on variant occurrences in the general population are insufficient to allow any conclusion about variant significance. c.1967C>T has been reported in the literature in the father of a proband affected with Lynch Syndrome (Giraldez_2010) and the same family has been subsequently cited by others (Schubert_2020). Due to a lack of co-segregation with disease as reported, these report(s) do not provide unequivocal conclusions about association of the variant with Lynch Syndrome. To our knowledge, no experimental evidence demonstrating an impact on protein function has been reported. One clinical diagnostic laboratory has submitted clinical-significance assessments for this variant to ClinVar after 2014 without evidence for independent evaluation and classified the variant as uncertain significance. Based on the evidence outlined above, the variant was classified as uncertain significance.

Literature cited by the submitters: PubMed 20924129 (cited by 3 submitters); PubMed 23621914 (cited by Labcorp Genetics (formerly Invitae), Labcorp and Women's Health and Genetics/Laboratory Corporation of America, LabCorp); PubMed 32615015 (cited by Women's Health and Genetics/Laboratory Corporation of America, LabCorp).

NM_000179.3(MSH6):c.1967C>T (p.Pro656Leu)

Gene: MSH6 (mutS homolog 6; plus strand). Cytogenetic location: 2p16.3.
Variant type: single nucleotide variant.
Coding change: c.1967C>T on transcript NM_000179.3 (MANE Select); coding-DNA position 1967, C replaced by T.
Protein change: p.Pro656Leu; replaces proline 656 with leucine.
Molecular consequence: missense variant.
Genome position (GRCh38, 1-based): chr2:47,799,950, C>T. VCF-style: chr2-47799950-C-T. GRCh37 (hg19) VCF-style: chr2-48027089-C-T.
Other names: c.1577C>T, p.Pro526Leu (NM_001281492.2); c.1061C>T, p.Pro354Leu (NM_001281493.2, NM_001281494.2); short protein forms P656L, P354L, P526L.
Identifiers: ClinVar variation 954699 (VCV000954699.13), dbSNP rs1669401102, ClinGen allele CA346750597.